The following is an entry in ClinVar:

NM_024577.4(SH3TC2):c.1579C>T (p.His527Tyr)

Gene: SH3TC2 (SH3 domain and tetratricopeptide repeats 2; minus strand). Cytogenetic location: 5q32.
Variant type: single nucleotide variant.
Coding change: c.1579C>T on transcript NM_024577.4 (MANE Select); coding-DNA position 1579, C replaced by T.
Protein change: p.His527Tyr; replaces histidine 527 with tyrosine.
Molecular consequence: missense variant.
Genome position (GRCh38, 1-based): chr5:149,028,153, G>A on the plus strand (C>T on the coding strand, the complement: SH3TC2 is on the minus strand). VCF-style: chr5-149028153-G-A. GRCh37 (hg19) VCF-style: chr5-148407716-G-A.
Other names: short protein forms H527Y.
Identifiers: ClinVar variation 2145204 (VCV002145204.4), dbSNP rs751769404, ClinGen allele CA3499155.

ClinVar aggregate classification (germline): Uncertain significance (1 of 4 stars; one submission).

Conditions:
Charcot-Marie-Tooth disease type 4. Also called: Charcot-Marie-Tooth, Type 4; Charcot-Marie-Tooth disease, type IV. Identifiers: Orphanet 64749, MedGen C4082197, MONDO:0018995.

Allele frequency attached by ClinVar (database versions not stated): TOPMed 0.00001; ExAC 0.00002.
gnomAD v4.1: 10 of 1,614,112 alleles (0.00062%); highest among the groups gnomAD compares: South Asian, 0.0055%; no homozygotes.

Submission:

Labcorp Genetics (formerly Invitae), Labcorp
Classification: Uncertain significance for Charcot-Marie-Tooth disease type 4. Last evaluated: 2022-02-24. Review status: criteria provided, single submitter. Criteria: Invitae Variant Classification Sherloc (09022015). Collection method: clinical testing. Allele origin: germline.
Comment: In summary, the available evidence is currently insufficient to determine the role of this variant in disease. Therefore, it has been classified as a Variant of Uncertain Significance. This sequence change replaces histidine, which is basic and polar, with tyrosine, which is neutral and polar, at codon 527 of the SH3TC2 protein (p.His527Tyr). This variant is present in population databases (rs751769404, gnomAD 0.01%). This variant has not been reported in the literature in individuals affected with SH3TC2-related conditions. Advanced modeling of protein sequence and biophysical properties (such as structural, functional, and spatial information, amino acid conservation, physicochemical variation, residue mobility, and thermodynamic stability) performed at Invitae indicates that this missense variant is not expected to disrupt SH3TC2 protein function.